The following is an entry in ClinVar:

ClinVar aggregate classification (germline): Uncertain significance. Review status: criteria provided, multiple submitters, no conflicts (2 of 4 stars). 2 submissions from 2 submitters: Uncertain significance (2). Last evaluated 2026-01-20.

Conditions:
Congenital muscular hypertrophy-cerebral syndrome (CDLS2). Also called: Cornelia de Lange syndrome 2; SMC1A-Related Cornelia de Lange Syndrome. Identifiers: Orphanet 199, MedGen C1802395, MONDO:0010370, OMIM 300590.

Allele frequency attached by ClinVar (database versions not stated): gnomAD exomes 0.00001; TOPMed 0.00002; gnomAD 0.00003; ExAC 0.00004.
gnomAD v4.1: 9 of 1,209,772 alleles (0.00074%); highest among the groups gnomAD compares: African/African-American, 0.011%; no homozygotes.

Submissions (2):

Labcorp Genetics (formerly Invitae), Labcorp
Classification: Uncertain significance for Congenital muscular hypertrophy-cerebral syndrome. Last evaluated: 2026-01-20. Review status: criteria provided, single submitter. Criteria: Invitae Variant Classification Sherloc (09022015). Collection method: clinical testing. Allele origin: germline.
Comment: This sequence change replaces asparagine, which is neutral and polar, with serine, which is neutral and polar, at codon 1071 of the SMC1A protein (p.Asn1071Ser). The frequency data for this variant in the population databases is considered unreliable, as metrics indicate poor data quality at this position in the gnomAD database. This variant has not been reported in the literature in individuals affected with SMC1A-related conditions. ClinVar contains an entry for this variant (Variation ID: 2061360). Invitae Evidence Modeling of protein sequence and biophysical properties (such as structural, functional, and spatial information, amino acid conservation, physicochemical variation, residue mobility, and thermodynamic stability) indicates that this missense variant is not expected to disrupt SMC1A protein function with a negative predictive value of 80%. In summary, the available evidence is currently insufficient to determine the role of this variant in disease. Therefore, it has been classified as a Variant of Uncertain Significance.

Women's Health and Genetics/Laboratory Corporation of America, LabCorp
Classification: Uncertain significance. Last evaluated: 2025-02-04. Review status: criteria provided, single submitter. Criteria: LabCorp Variant Classification Summary - May 2015. Collection method: clinical testing. Allele origin: germline.
Comment: Variant summary: SMC1A c.3212A>G (p.Asn1071Ser) results in a conservative amino acid change located in the RecF/RecN/SMC N terminal domain (IPR003395) of the encoded protein sequence. Four of five in-silico tools predict a benign effect of the variant on protein function. The variant allele was found at a frequency of 2.2e-05 in 182657 control chromosomes. The available data on variant occurrences in the general population are insufficient to allow any conclusion about variant significance. To our knowledge, no occurrence of c.3212A>G in individuals affected with Congenital Muscular Hypertrophy-Cerebral Syndrome and no experimental evidence demonstrating its impact on protein function have been reported. ClinVar contains an entry for this variant (Variation ID: 2061360). Based on the evidence outlined above, the variant was classified as uncertain significance.

Literature cited by the submitters: PubMed 27288520 (cited by Women's Health and Genetics/Laboratory Corporation of America, LabCorp); PubMed 20514443 (cited by Women's Health and Genetics/Laboratory Corporation of America, LabCorp); PubMed 29860495 (cited by Women's Health and Genetics/Laboratory Corporation of America, LabCorp); PubMed 24220272 (cited by Women's Health and Genetics/Laboratory Corporation of America, LabCorp); PubMed 24487413 (cited by Women's Health and Genetics/Laboratory Corporation of America, LabCorp); PubMed 24904756 (cited by Women's Health and Genetics/Laboratory Corporation of America, LabCorp); PubMed 24335498 (cited by Women's Health and Genetics/Laboratory Corporation of America, LabCorp); PubMed 25006131 (cited by Women's Health and Genetics/Laboratory Corporation of America, LabCorp); PubMed 31896782 (cited by Women's Health and Genetics/Laboratory Corporation of America, LabCorp).

NM_006306.4(SMC1A):c.3212A>G (p.Asn1071Ser)

Gene: SMC1A (structural maintenance of chromosomes 1A; minus strand). Cytogenetic location: Xp11.22.
Variant type: single nucleotide variant.
Coding change: c.3212A>G on transcript NM_006306.4 (MANE Select); coding-DNA position 3212, A replaced by G.
Protein change: p.Asn1071Ser; replaces asparagine 1071 with serine.
Molecular consequence: missense variant.
Genome position (GRCh38, 1-based): chrX:53,382,579, T>C on the plus strand (A>G on the coding strand, the complement: SMC1A is on the minus strand). VCF-style: chrX-53382579-T-C. GRCh37 (hg19) VCF-style: chrX-53409500-T-C.
Other names: c.3146A>G, p.Asn1049Ser (NM_001281463.1); short protein forms N1049S, N1071S.
Identifiers: ClinVar variation 2061360 (VCV002061360.5), dbSNP rs782010974, ClinGen allele CA10420318.